The following is an entry in ClinVar:

NM_000254.3(MTR):c.2044-13_2044-12del

Gene: MTR (5-methyltetrahydrofolate-homocysteine methyltransferase; plus strand). Cytogenetic location: 1q43.
Variant type: Deletion.
Coding change: c.2044-13_2044-12del on transcript NM_000254.3 (MANE Select); 13 bases into the intron before coding-DNA position 2044 through 12 bases into the intron before coding-DNA position 2044, 2 bases deleted (TT; older notation c.2044-13_2044-12delTT).
Molecular consequence: intron variant.
Genome position (GRCh38, 1-based): chr1:236,861,112-236,861,113, TT deleted; deleting any 2 consecutive bases within chr1:236,861,098-236,861,113 gives the same sequence; the c. name uses the placement nearest the transcript's 3' end. VCF-style (leftmost placement, unchanged base first): chr1-236861097-CTT-C. GRCh37 (hg19) VCF-style: chr1-237024397-CTT-C.
Other names: p.?; c.2044-1124_2044-1123del (NM_001291939.1); c.2044-13_2044-12del (NM_001410942.1); c.823-13_823-12del (NM_001291940.2).
Identifiers: ClinVar variation 4684367 (VCV004684367.1).

ClinVar aggregate classification (germline): Likely benign (1 of 4 stars; one submission).

Submission:

Mayo Clinic Laboratories, Mayo Clinic
Classification: Likely benign. Last evaluated: 2025-10-22. Review status: criteria provided, single submitter. Criteria: ACMG Guidelines, 2015. Collection method: clinical testing. Allele origin: germline. Observed: 1 variant allele.
Comment: BP4, BP7, PM2_supporting